The following is an entry in ClinVar:

ClinVar aggregate classification (germline): Pathogenic (1 of 4 stars; one submission).

Conditions:
Fanconi anemia (FA). Also called: Fanconi's anemia. Identifiers: Orphanet 84, MedGen C0015625, MeSH D005199, MONDO:0019391.

Allele frequency attached by ClinVar (database versions not stated): gnomAD exomes below 0.00001; TOPMed below 0.00001.

Submission:

Labcorp Genetics (formerly Invitae), Labcorp
Classification: Pathogenic for Fanconi anemia. Last evaluated: 2021-04-27. Review status: criteria provided, single submitter. Criteria: Invitae Variant Classification Sherloc (09022015). Collection method: clinical testing. Allele origin: germline.
Comment: This variant is not present in population databases (ExAC no frequency). For these reasons, this variant has been classified as Pathogenic. This variant has not been reported in the literature in individuals with FANCM-related conditions. This sequence change creates a premature translational stop signal (p.Ser1794Profs*9) in the FANCM gene. It is expected to result in an absent or disrupted protein product. Loss-of-function variants in FANCM are known to be pathogenic (PMID: 29895858, 30075111).

Literature cited by the submitters: PubMed 29895858; PubMed 30075111.

NM_020937.4(FANCM):c.5380del (p.Ser1794fs)

Gene: FANCM (FA complementation group M; plus strand). Cytogenetic location: 14q21.2.
Variant type: Deletion.
Coding change: c.5380del on transcript NM_020937.4 (MANE Select); coding-DNA position 5380, one base deleted (T; older notation c.5380delT).
Protein change: p.Ser1794fs; shifts the reading frame from serine 1794.
Molecular consequence: frameshift variant.
Genome position (GRCh38, 1-based): chr14:45,196,211, T deleted. VCF-style (leftmost placement, unchanged base first): chr14-45196210-AT-A. GRCh37 (hg19) VCF-style: chr14-45665413-AT-A.
Other names: c.5302del, p.Ser1768fs (NM_001308133.2); short protein forms S1768fs, S1794fs.
Identifiers: ClinVar variation 1451728 (VCV001451728.6), dbSNP rs1890046687, ClinGen allele CA2133622195.